The following is an entry in ClinVar:

ClinVar aggregate classification (germline): Likely pathogenic (1 of 4 stars; one submission).

Submission:

GeneDx
Classification: Likely pathogenic. Last evaluated: 2016-12-15. Review status: criteria provided, single submitter. Criteria: GeneDx Variant Classification (06012015). Collection method: clinical testing. Allele origin: germline. Affected: yes.
Comment: A novel L312S variant that is likely pathogenic has been identified in the KCNQ2 gene. The L312S variant has not been published as a pathogenic variant, nor has it been reported as a benign variant to our knowledge. The L312S variant is not observed in large population cohorts (Lek et al., 2016; 1000 Genomes Consortium et al., 2015; Exome Variant Server). The L312S variant is a non-conservative amino acid substitution, which is likely to impact secondary protein structure as these residues differ in polarity, charge, size and/or other properties. This substitution occurs at a conserved position predicted to be within the transmembrane segment S6. In silico analysis predicts this variant is probably damaging to the protein structure/function. Therefore, this variant is likely pathogenic; however, the possibility that it is benign cannot be excluded.

NM_172107.4(KCNQ2):c.935T>C (p.Leu312Ser)

Gene: KCNQ2 (potassium voltage-gated channel subfamily Q member 2; minus strand). Cytogenetic location: 20q13.33.
Variant type: single nucleotide variant.
Coding change: c.935T>C on transcript NM_172107.4 (MANE Select); coding-DNA position 935, T replaced by C.
Protein change: p.Leu312Ser; replaces leucine 312 with serine.
Molecular consequence: missense variant.
Genome position (GRCh38, 1-based): chr20:63,438,713, A>G on the plus strand (T>C on the coding strand, the complement: KCNQ2 is on the minus strand). VCF-style: chr20-63438713-A-G. GRCh37 (hg19) VCF-style: chr20-62070066-A-G.
Other names: c.935T>C, p.Leu312Ser (NM_004518.6, NM_172106.3, NM_172108.5 and 1 more transcripts); short protein forms L312S.
Identifiers: ClinVar variation 373802 (VCV000373802.1), dbSNP rs1057518619, ClinGen allele CA16043140.